The following is an entry in ClinVar:

NM_001846.4(COL4A2):c.1950T>A (p.Pro650=)

Gene: COL4A2 (collagen type IV alpha 2 chain; plus strand). Cytogenetic location: 13q34.
Variant type: single nucleotide variant.
Coding change: c.1950T>A on transcript NM_001846.4 (MANE Select); coding-DNA position 1950, T replaced by A.
Protein change: p.Pro650=; no amino-acid change (proline 650 retained).
Molecular consequence: synonymous variant.
Genome position (GRCh38, 1-based): chr13:110,465,578, T>A. VCF-style: chr13-110465578-T-A. GRCh37 (hg19) VCF-style: chr13-111117925-T-A.
Other names: c.1950T>A (NM_001846.3).
Identifiers: ClinVar variation 2995374 (VCV002995374.5), dbSNP rs2502127188, ClinGen allele CA484799924.

ClinVar aggregate classification (germline): Likely benign. Review status: criteria provided, single submitter (1 of 4 stars). 2 submissions from 2 submitters: Likely benign (1). 1 of the submissions does not count toward it. Last evaluated 2023-01-04.

Conditions:
COL4A2-related disorder. Also called: COL4A2-related disorders; COL4A2-related condition.

Submissions (2):

Labcorp Genetics (formerly Invitae), Labcorp
Classification: Likely benign. Last evaluated: 2023-01-04. Review status: criteria provided, single submitter. Criteria: Invitae Variant Classification Sherloc (09022015). Collection method: clinical testing. Allele origin: germline.

PreventionGenetics, part of Exact Sciences
Classification: Likely benign for COL4A2-related condition. Last evaluated: 2023-12-07. Review status: no assertion criteria provided. Collection method: clinical testing. Allele origin: germline. Not counted in ClinVar's aggregate classification.
Comment: This variant is classified as likely benign based on ACMG/AMP sequence variant interpretation guidelines (Richards et al. 2015 PMID: 25741868, with internal and published modifications).